The following is an entry in ClinVar:

ClinVar aggregate classification (germline): Uncertain significance (1 of 4 stars; one submission).

Conditions:
CFI-related disorder. Also called: CFI-related condition; CFI-related disorders. Identifiers: MedGen CN239325.

Submission:

Genomenon, Inc
Classification: Uncertain significance for CFI-related disorder. Last evaluated: 2025-09-26. Review status: criteria provided, single submitter. Criteria: Genomenon Sequence Variant Interpretation Standards - Updated. Collection method: curation. Allele origin: germline. Affected: no.
Comment: CFI p.Pro83Thr (c.247C>A) is a missense variant that changes the amino acid at residue 83 from Proline to Threonine. To our knowledge, this variant has not been reported in patients affected with CFI-related disorders in the expected inheritance pattern in the published literature (PMID:23389237). It is absent or not present at a significant frequency in gnomAD. In silico models agree that this variant is not damaging. In conclusion, we classify CFI p.Pro83Thr (c.247C>A) as a variant of unknown significance.

Literature cited by the submitters: PubMed 23389237.

NM_000204.5(CFI):c.247C>A (p.Pro83Thr)

Gene: CFI (complement factor I; minus strand). Cytogenetic location: 4q25.
Variant type: single nucleotide variant.
Coding change: c.247C>A on transcript NM_000204.5 (MANE Select); coding-DNA position 247, C replaced by A.
Protein change: p.Pro83Thr; replaces proline 83 with threonine.
Molecular consequence: missense variant. On other transcripts: non-coding transcript variant (3), intron variant (1).
Genome position (GRCh38, 1-based): chr4:109,766,635, G>T on the plus strand (C>A on the coding strand, the complement: CFI is on the minus strand). VCF-style: chr4-109766635-G-T. GRCh37 (hg19) VCF-style: chr4-110687791-G-T.
Other names: c.247C>A, p.Pro83Thr (NM_001318057.2, NM_001331035.2, NM_001375278.1 and 10 more transcripts); c.-127-4943C>A (NM_001375284.1); short protein forms P83T.
Identifiers: ClinVar variation 4280526 (VCV004280526.1).